The following is an entry in ClinVar:

ClinVar aggregate classification (germline): Uncertain significance (1 of 4 stars; one submission).

Conditions:
Cortical dysplasia, complex, with other brain malformations 13. Also called: Intellectual disability, autosomal dominant 13. Identifiers: MedGen C3281202, MONDO:0013805, OMIM 614563.

gnomAD v4.1: 1 of 1,600,410 alleles (0.000062%); highest among the groups gnomAD compares: Non-Finnish European, 0.000085%; no homozygotes.

Submission:

Neuberg Centre For Genomic Medicine, NCGM
Classification: Uncertain significance for Cortical dysplasia, complex, with other brain malformations 13. Review status: criteria provided, single submitter. Criteria: ACMG Guidelines, 2015. Collection method: clinical testing. Allele origin: germline. Affected: yes.
Comment: This variant has not been reported previously as a pathogenic variant nor as a benign variant, to our knowledge. The amino acid Met at position 65 is changed to a Ile changing protein sequence and it might alter its composition and physico-chemical properties. This variant has not been reported to the ClinVar database. In silico tools predict the variant to be tolerated. The residue is conserved across species. The amino acid change p.Met65Ile in DYNC1H1 is predicted as conserved by GERP++ and PhyloP across 100 vertebrates. The p.Met65Ile variant is novel (not in any individuals) in 1000 Genomes. For these reasons, this variant has been classified as uncertain significance .

NM_001376.5(DYNC1H1):c.195G>T (p.Met65Ile)

Gene: DYNC1H1 (dynein cytoplasmic 1 heavy chain 1; plus strand). Cytogenetic location: 14q32.31.
Variant type: single nucleotide variant.
Coding change: c.195G>T on transcript NM_001376.5 (MANE Select); coding-DNA position 195, G replaced by T.
Protein change: p.Met65Ile; replaces methionine 65 with isoleucine.
Molecular consequence: missense variant.
Genome position (GRCh38, 1-based): chr14:101,964,886, G>T. VCF-style: chr14-101964886-G-T. GRCh37 (hg19) VCF-style: chr14-102431223-G-T.
Other names: short protein forms M65I.
Identifiers: ClinVar variation 1878574 (VCV001878574.1), dbSNP rs577413889, ClinGen allele CA391003652.